The following is an entry in ClinVar:

NM_000038.6(APC):c.3566C>T (p.Ser1189Leu)

Gene: APC (APC regulator of Wnt signaling pathway; plus strand). Cytogenetic location: 5q22.2.
Variant type: single nucleotide variant.
Coding change: c.3566C>T on transcript NM_000038.6 (MANE Select); coding-DNA position 3566, C replaced by T.
Protein change: p.Ser1189Leu; replaces serine 1189 with leucine.
Molecular consequence: missense variant.
Genome position (GRCh38, 1-based): chr5:112,839,160, C>T. VCF-style: chr5-112839160-C-T. GRCh37 (hg19) VCF-style: chr5-112174857-C-T.
Other names: c.3566C>T, p.Ser1189Leu (NM_001127510.3, NM_001354895.2); c.3512C>T, p.Ser1171Leu (NM_001127511.3); c.3620C>T, p.Ser1207Leu (NM_001354896.2); c.3596C>T, p.Ser1199Leu (NM_001354897.2); c.3491C>T, p.Ser1164Leu (NM_001354898.2); c.3482C>T, p.Ser1161Leu (NM_001354899.2); c.3443C>T, p.Ser1148Leu (NM_001354900.2); c.3389C>T, p.Ser1130Leu (NM_001354901.2); and 5 more; short protein forms S1029L, S1063L, S1130L, S1161L, S1164L, S1171L, S1207L, S1098L.
Identifiers: ClinVar variation 928326 (VCV000928326.7), dbSNP rs1765458794, ClinGen allele CA16029168.
Genomic context (GRCh38, chr5:112,839,160, plus strand): 5'-AGAAACGTCATGTGGATCAGCCTATTGATTATAGTTTAAAATATGCCACAGATATTCCTT[C>T]ATCACAGAAACAGTCATTTTCATTCTCAAAGAGTTCATCTGGACAAAGCAGTAAAACCGA-3'
Protein context (NP_000029.2, residues 1179-1199): YSLKYATDIP[Ser1189Leu]SQKQSFSFSK

ClinVar aggregate classification (germline): Uncertain significance. Review status: criteria provided, multiple submitters, no conflicts (2 of 4 stars). 3 submissions from 3 submitters: Uncertain significance (3). Last evaluated 2026-01-07.

Conditions:
Hereditary cancer-predisposing syndrome. Also called: Tumor predisposition; Hereditary neoplastic syndrome; Hereditary Cancer Syndrome; Neoplastic Syndromes, Hereditary. Identifiers: Orphanet 140162, MedGen C0027672, MeSH D009386, MONDO:0015356.
Familial adenomatous polyposis 1 (FAP1). Also called: FAMILIAL ADENOMATOUS POLYPOSIS 1, ATTENUATED; POLYPOSIS, ADENOMATOUS INTESTINAL. Identifiers: MedGen C2713442, MONDO:0021056, OMIM 175100. Disease mechanism: loss of function.

Allele frequency attached by ClinVar (database versions not stated): gnomAD exomes below 0.00001.
gnomAD v4.1: 1 of 1,614,136 alleles (0.000062%); highest among the groups gnomAD compares: Non-Finnish European, 0.000085%; no homozygotes.

Submissions (3):

Ambry Genetics
Classification: Uncertain significance for Hereditary cancer-predisposing syndrome. Last evaluated: 2026-01-07. Review status: criteria provided, single submitter. Criteria: Ambry Variant Classification Scheme 2023. Collection method: clinical testing. Allele origin: germline.
Comment: The p.S1189L variant (also known as c.3566C>T), located in coding exon 15 of the APC gene, results from a C to T substitution at nucleotide position 3566. The serine at codon 1189 is replaced by leucine, an amino acid with dissimilar properties. This amino acid position is not well conserved in available vertebrate species. In addition, in silico predictors for this gene do not accurately predict pathogenicity. Missense variants in APC are not a common cause of disease (Spier I et al. Genet Med. 2024 Feb;26(2):100992). Based on the available evidence, the clinical significance of this variant remains unclear.

Labcorp Genetics (formerly Invitae), Labcorp
Classification: Uncertain significance for Familial adenomatous polyposis 1. Last evaluated: 2023-06-09. Review status: criteria provided, single submitter. Criteria: Invitae Variant Classification Sherloc (09022015). Collection method: clinical testing. Allele origin: germline.
Comment: In summary, the available evidence is currently insufficient to determine the role of this variant in disease. Therefore, it has been classified as a Variant of Uncertain Significance. This variant is not present in population databases (gnomAD no frequency). This sequence change replaces serine, which is neutral and polar, with leucine, which is neutral and non-polar, at codon 1189 of the APC protein (p.Ser1189Leu). Advanced modeling of protein sequence and biophysical properties (such as structural, functional, and spatial information, amino acid conservation, physicochemical variation, residue mobility, and thermodynamic stability) performed at Invitae indicates that this missense variant is not expected to disrupt APC protein function. ClinVar contains an entry for this variant (Variation ID: 928326). This variant has not been reported in the literature in individuals affected with APC-related conditions.

Color Diagnostics, LLC DBA Color Health
Classification: Uncertain significance for Hereditary cancer-predisposing syndrome. Last evaluated: 2020-11-24. Review status: criteria provided, single submitter. Criteria: ACMG Guidelines, 2015. Collection method: clinical testing. Allele origin: germline.
Comment: This missense variant replaces serine with leucine at codon 1189 of the APC protein. Computational prediction suggests that this variant may not impact protein structure and function (internally defined REVEL score threshold <= 0.5, PMID: 27666373). To our knowledge, functional studies have not been reported for this variant. This variant has not been reported in individuals affected with hereditary cancer in the literature. This variant has not been identified in the general population by the Genome Aggregation Database (gnomAD). The available evidence is insufficient to determine the role of this variant in disease conclusively. Therefore, this variant is classified as a Variant of Uncertain Significance.